The following is an entry in ClinVar:

ClinVar aggregate classification (germline): Uncertain significance. Review status: criteria provided, multiple submitters, no conflicts (2 of 4 stars). 2 submissions from 2 submitters: Uncertain significance (2). Last evaluated 2025-09-10.

Conditions:
Colorectal cancer, hereditary nonpolyposis, type 7. Identifiers: Orphanet 144, MedGen C1858380, MONDO:0013725, OMIM 614385.

Allele frequency attached by ClinVar (database versions not stated): ExAC 0.00001; gnomAD exomes 0.00002.
gnomAD v4.1: 10 of 1,614,154 alleles (0.00062%); highest among the groups gnomAD compares: East Asian, 0.018%; no homozygotes.

Submissions (2):

Labcorp Genetics (formerly Invitae), Labcorp
Classification: Uncertain significance for Colorectal cancer, hereditary nonpolyposis, type 7. Last evaluated: 2025-09-10. Review status: criteria provided, single submitter. Criteria: Invitae Variant Classification Sherloc (09022015). Collection method: clinical testing. Allele origin: germline.
Comment: This sequence change replaces aspartic acid, which is acidic and polar, with histidine, which is basic and polar, at codon 1081 of the MLH3 protein (p.Asp1081His). This variant is present in population databases (rs778369841, gnomAD 0.02%). This variant has not been reported in the literature in individuals affected with MLH3-related conditions. ClinVar contains an entry for this variant (Variation ID: 567005). An algorithm developed to predict the effect of missense changes on protein structure and function (PolyPhen-2) suggests that this variant is likely to be disruptive. In summary, the available evidence is currently insufficient to determine the role of this variant in disease. Therefore, it has been classified as a Variant of Uncertain Significance.

Ambry Genetics
Classification: Uncertain significance. Last evaluated: 2025-02-08. Review status: criteria provided, single submitter. Criteria: Ambry Variant Classification Scheme 2023. Collection method: clinical testing. Allele origin: germline.
Comment: The p.D1081H variant (also known as c.3241G>C), located in coding exon 1 of the MLH3 gene, results from a G to C substitution at nucleotide position 3241. The aspartic acid at codon 1081 is replaced by histidine, an amino acid with similar properties. This amino acid position is highly conserved in available vertebrate species. In addition, this alteration is predicted to be deleterious by in silico analysis. Since supporting evidence is limited at this time, the clinical significance of this alteration remains unclear.

NM_001040108.2(MLH3):c.3241G>C (p.Asp1081His)

Gene: MLH3 (mutL homolog 3; minus strand). Cytogenetic location: 14q24.3.
Variant type: single nucleotide variant.
Coding change: c.3241G>C on transcript NM_001040108.2 (MANE Select); coding-DNA position 3241, G replaced by C.
Protein change: p.Asp1081His; replaces aspartic acid 1081 with histidine.
Molecular consequence: missense variant.
Genome position (GRCh38, 1-based): chr14:75,046,415, C>G on the plus strand (G>C on the coding strand, the complement: MLH3 is on the minus strand). VCF-style: chr14-75046415-C-G. GRCh37 (hg19) VCF-style: chr14-75513118-C-G.
Other names: c.3241G>C, p.Asp1081His (NM_014381.3); short protein forms D1081H.
Identifiers: ClinVar variation 567005 (VCV000567005.10), dbSNP rs778369841, ClinGen allele CA7275568.